The following is an entry in ClinVar:

NM_001042545.2(LTBP4):c.1422A>G (p.Glu474=)

Gene: LTBP4 (latent transforming growth factor beta binding protein 4; plus strand). Cytogenetic location: 19q13.2.
Variant type: single nucleotide variant.
Coding change: c.1422A>G on transcript NM_001042545.2 (MANE Select); coding-DNA position 1422, A replaced by G.
Protein change: p.Glu474=; no amino-acid change (glutamic acid 474 retained).
Molecular consequence: synonymous variant.
Genome position (GRCh38, 1-based): chr19:40,608,599, A>G. VCF-style: chr19-40608599-A-G. GRCh37 (hg19) VCF-style: chr19-41114505-A-G.
Other names: c.1623A>G, p.Glu541= (NM_001042544.1); c.1512A>G, p.Glu504= (NM_003573.2).
Identifiers: ClinVar variation 1929035 (VCV001929035.5), dbSNP rs535275302, ClinGen allele CA9448298.

ClinVar aggregate classification (germline): Uncertain significance. Review status: criteria provided, multiple submitters, no conflicts (2 of 4 stars). 2 submissions from 2 submitters: Uncertain significance (2). Last evaluated 2026-03-26.

Allele frequency attached by ClinVar (database versions not stated): ExAC 0.00009; 1000 Genomes Project 30x 0.00016; gnomAD 0.00001; gnomAD exomes 0.00002; TOPMed below 0.00001; 1000 Genomes Project 0.00020.
gnomAD v4.1: 13 of 1,587,992 alleles (0.00082%); highest among the groups gnomAD compares: Middle Eastern, 0.033%; no homozygotes.

Submissions (2):

GeneDx
Classification: Uncertain significance. Last evaluated: 2026-03-26. Review status: criteria provided, single submitter. Criteria: GeneDx Variant Classification Process June 2021. Collection method: clinical testing. Allele origin: germline.
Comment: Not observed at significant frequency in large population cohorts (gnomAD); Has not been previously published as pathogenic or benign to our knowledge; In silico analysis is inconclusive as to whether the variant alters gene splicing. In the absence of RNA/functional studies, the actual effect of this sequence change is unknown.

Labcorp Genetics (formerly Invitae), Labcorp
Classification: Uncertain significance. Last evaluated: 2022-07-23. Review status: criteria provided, single submitter. Criteria: Invitae Variant Classification Sherloc (09022015). Collection method: clinical testing. Allele origin: germline.
Comment: In summary, the available evidence is currently insufficient to determine the role of this variant in disease. Therefore, it has been classified as a Variant of Uncertain Significance. Algorithms developed to predict the effect of sequence changes on RNA splicing suggest that this variant may disrupt the consensus splice site. This variant has not been reported in the literature in individuals affected with LTBP4-related conditions. This variant is present in population databases (rs535275302, gnomAD 0.004%). This sequence change affects codon 504 of the LTBP4 mRNA. It is a 'silent' change, meaning that it does not change the encoded amino acid sequence of the LTBP4 protein.